The following is an entry in ClinVar:

NM_001127453.2(GSDME):c.868del (p.Leu290fs)

Gene: GSDME (gasdermin E; minus strand). Cytogenetic location: 7p15.3.
Variant type: Deletion.
Coding change: c.868del on transcript NM_001127453.2 (MANE Select); coding-DNA position 868, one base deleted (C; older notation c.868delC).
Protein change: p.Leu290fs; shifts the reading frame from leucine 290.
Molecular consequence: frameshift variant.
Genome position (GRCh38, 1-based): chr7:24,708,249, G deleted on the plus strand (C on the coding strand, the reverse complement: GSDME is on the minus strand); the first of 3 consecutive G bases (chr7:24,708,249-24,708,251); deleting any one gives the same sequence. VCF-style (leftmost placement, unchanged base first): chr7-24708248-AG-A. GRCh37 (hg19) VCF-style: chr7-24747867-AG-A.
Other names: c.376del, p.Leu126fs (NM_001127454.2); c.868del, p.Leu290fs (NM_004403.3); short protein forms L126fs, L290fs.
Identifiers: ClinVar variation 2431826 (VCV002431826.2), dbSNP rs750708158, ClinGen allele CA4191517.
Genomic context (GRCh38, chr7:24,708,248, plus strand): 5'-AAAGCTGTCTGTTGTGGCTCAGGCAGCTCCGCAAATGGATGGAAATTCCTCTCCAGGAGC[AG>A]GGTCGCTGTGAAAACAAAGCACACCCAAGTCTCATGACTGCGATGCACATCTCACGACGT-3'

ClinVar aggregate classification (germline): Uncertain significance (1 of 4 stars; one submission).

Conditions:
Autosomal dominant nonsyndromic hearing loss 5. Identifiers: Orphanet 90635, MedGen C1832932, MONDO:0010973, OMIM 600994.

Submission:

Laboratorio de Genetica e Diagnostico Molecular, Hospital Israelita Albert Einstein
Classification: Uncertain significance for Autosomal dominant nonsyndromic hearing loss 5. Last evaluated: 2022-10-29. Review status: criteria provided, single submitter. Criteria: ACMG Guidelines, 2015. Collection method: clinical testing. Allele origin: germline. Affected: yes.
Comment: ACMG classification criteria: PM2 moderated